The following is an entry in ClinVar:

NM_000059.4(BRCA2):c.518_631+462delinsAAAGAAATTTTATTTCTTT

Gene: BRCA2 (BRCA2 DNA repair associated; plus strand). Cytogenetic location: 13q13.1.
Variant type: Indel.
Coding change: c.518_631+462delinsAAAGAAATTTTATTTCTTT on transcript NM_000059.4 (MANE Select); coding-DNA position 518 through 462 bases into the intron after coding-DNA position 631, the reference bases replaced by AAAGAAATTTTATTTCTTT.
Molecular consequence: splice donor variant.
Genome position (GRCh38, 1-based): chr13:32,326,500-32,327,075, 576 bases replaced. GRCh37 (hg19): chr13:32,900,637-32,901,212.
Other names: c.518_631+462delinsAAAGAAATTTTATTTCTTT (NM_001406720.1, NM_001406719.1, NM_001406721.1); c.149_262+462delinsAAAGAAATTTTATTTCTTT (NM_001406722.1).
Identifiers: ClinVar variation 2758697 (VCV002758697.3), dbSNP rs2548515596, ClinGen allele CA2697551694.

ClinVar aggregate classification (germline): Likely pathogenic (1 of 4 stars; one submission).

Conditions:
Hereditary breast ovarian cancer syndrome. Also called: Hereditary breast and ovarian cancer syndrome (HBOC); Hereditary breast and/or ovarian cancer syndrome; Hereditary breast and ovarian cancer syndrome; Breast and ovarian cancer; Hereditary breast and ovarian cancer; BRCA1- and BRCA2-Associated Hereditary Breast and Ovarian Cancer. Identifiers: Orphanet 145, MedGen C0677776, MeSH D061325, MONDO:0003582. Disease mechanism: loss of function.

Submission:

Labcorp Genetics (formerly Invitae), Labcorp
Classification: Likely pathogenic for Hereditary breast ovarian cancer syndrome. Last evaluated: 2024-10-31. Review status: criteria provided, single submitter. Criteria: Invitae Variant Classification Sherloc (09022015). Collection method: clinical testing. Allele origin: germline.
Comment: This variant results in the deletion of part of exon 7 (c.518_631+462delins19) of the BRCA2 gene. It is expected to disrupt RNA splicing. Variants that disrupt the donor or acceptor splice site typically lead to a loss of protein function (PMID: 16199547), and loss-of-function variants in BRCA2 are known to be pathogenic (PMID: 20104584). This variant is not present in population databases (gnomAD no frequency). This variant has not been reported in the literature in individuals affected with BRCA2-related conditions. In summary, the currently available evidence indicates that the variant is pathogenic, but additional data are needed to prove that conclusively. Therefore, this variant has been classified as Likely Pathogenic.

Literature cited by the submitters: PubMed 16199547; PubMed 20104584.